The following is an entry in ClinVar:

NM_004086.3(COCH):c.1547C>T (p.Pro516Leu)

Genes: COCH-AS1 (COCH antisense RNA 1; minus strand), COCH (cochlin; plus strand). Cytogenetic location: 14q12.
Variant type: single nucleotide variant.
Coding change: c.1547C>T on transcript NM_004086.3 (MANE Select); coding-DNA position 1547, C replaced by T.
Protein change: p.Pro516Leu; replaces proline 516 with leucine.
Molecular consequence: missense variant. On other transcripts: non-coding transcript variant (1).
Genome position (GRCh38, 1-based): chr14:30,889,685, C>T. VCF-style: chr14-30889685-C-T. GRCh37 (hg19) VCF-style: chr14-31358891-C-T.
Other names: c.1547C>T, p.Pro516Leu (NM_001135058.2); c.1742C>T, p.Pro581Leu (NM_001347720.2); short protein forms P516L, P581L.
Identifiers: ClinVar variation 498004 (VCV000498004.8), dbSNP rs751018920, ClinGen allele CA389349576.
Genomic context (GRCh38, chr14:30,889,685, plus strand): 5'-TCTTCTCTGTTGGTGTGGCTTGGGCACCTCTGGATGACCTGAAAGATATGGCTTCTAAAC[C>T]GAAGGAGTCTCATGCTTTCTTCACAAGAGAGTTCACAGGATTAGAACCAATTGTTTCTGA-3'
Protein context (NP_004077.1, residues 506-526): LDDLKDMASK[Pro516Leu]KESHAFFTRE

ClinVar aggregate classification (germline): Uncertain significance. Review status: criteria provided, multiple submitters, no conflicts (2 of 4 stars). 2 submissions from 2 submitters: Uncertain significance (2). Last evaluated 2023-04-23.

gnomAD v4.1: 4 of 1,613,902 alleles (0.00025%); highest among the groups gnomAD compares: Admixed American, 0.0033%; no homozygotes.

Submissions (2):

Labcorp Genetics (formerly Invitae), Labcorp
Classification: Uncertain significance. Last evaluated: 2023-04-23. Review status: criteria provided, single submitter. Criteria: Invitae Variant Classification Sherloc (09022015). Collection method: clinical testing. Allele origin: germline.
Comment: This sequence change replaces proline, which is neutral and non-polar, with leucine, which is neutral and non-polar, at codon 516 of the COCH protein (p.Pro516Leu). In summary, the available evidence is currently insufficient to determine the role of this variant in disease. Therefore, it has been classified as a Variant of Uncertain Significance. Advanced modeling of protein sequence and biophysical properties (such as structural, functional, and spatial information, amino acid conservation, physicochemical variation, residue mobility, and thermodynamic stability) performed at Invitae indicates that this missense variant is expected to disrupt COCH protein function. ClinVar contains an entry for this variant (Variation ID: 498004). This variant has not been reported in the literature in individuals affected with COCH-related conditions. This variant is present in population databases (no rsID available, gnomAD 0.003%).

Eurofins Ntd Llc (ga)
Classification: Uncertain significance. Last evaluated: 2016-11-17. Review status: criteria provided, single submitter. Criteria: EGL Classification Definitions 2015. Collection method: clinical testing. Allele origin: germline. Observed: 1 variant allele, 1 heterozygote.